The following is an entry in ClinVar:

ClinVar aggregate classification (germline): Uncertain significance. Review status: criteria provided, multiple submitters, no conflicts (2 of 4 stars). 4 submissions from 4 submitters: Uncertain significance (4). Last evaluated 2025-02-09.

Conditions:
Familial cancer of breast. Also called: BREAST CANCER, FAMILIAL; Hereditary breast cancer; hereditary breast carcinoma. Identifiers: Orphanet 227535, MedGen C0346153, MONDO:0016419, OMIM 114480. Disease mechanism: loss of function.
Hereditary cancer-predisposing syndrome. Also called: Hereditary neoplastic syndrome; Neoplastic Syndromes, Hereditary; Hereditary Cancer Syndrome; Tumor predisposition. Identifiers: Orphanet 140162, MedGen C0027672, MeSH D009386, MONDO:0015356.

Allele frequency attached by ClinVar (database versions not stated): gnomAD 0.00001; TOPMed 0.00001.
gnomAD v4.1: 2 of 1,613,964 alleles (0.00012%); highest among the groups gnomAD compares: African/African-American, 0.0027%; no homozygotes.

Submissions (4):

Labcorp Genetics (formerly Invitae), Labcorp
Classification: Uncertain significance for Familial cancer of breast. Last evaluated: 2025-02-09. Review status: criteria provided, single submitter. Criteria: Invitae Variant Classification Sherloc (09022015). Collection method: clinical testing. Allele origin: germline.
Comment: This sequence change replaces histidine, which is basic and polar, with arginine, which is basic and polar, at codon 46 of the PALB2 protein (p.His46Arg). This variant is present in population databases (no rsID available, gnomAD 0.01%). This variant has not been reported in the literature in individuals affected with PALB2-related conditions. ClinVar contains an entry for this variant (Variation ID: 530102). An algorithm developed to predict the effect of missense changes on protein structure and function (PolyPhen-2) suggests that this variant is likely to be tolerated. In summary, the available evidence is currently insufficient to determine the role of this variant in disease. Therefore, it has been classified as a Variant of Uncertain Significance.

Ambry Genetics
Classification: Uncertain significance for Hereditary cancer-predisposing syndrome. Last evaluated: 2023-09-29. Review status: criteria provided, single submitter. Criteria: Ambry Variant Classification Scheme 2023. Collection method: clinical testing. Allele origin: germline.
Comment: The p.H46R variant (also known as c.137A>G), located in coding exon 3 of the PALB2 gene, results from an A to G substitution at nucleotide position 137. The histidine at codon 46 is replaced by arginine, an amino acid with highly similar properties. This amino acid position is poorly conserved in available vertebrate species. In addition, this alteration is predicted to be tolerated by in silico analysis. Since supporting evidence is limited at this time, the clinical significance of this alteration remains unclear.

Baylor Genetics
Classification: Uncertain significance for Familial cancer of breast. Last evaluated: 2023-08-13. Review status: criteria provided, single submitter. Criteria: ACMG Guidelines, 2015. Collection method: clinical testing. Allele origin: unknown.

GeneDx
Classification: Uncertain significance. Last evaluated: 2020-01-24. Review status: criteria provided, single submitter. Criteria: GeneDx Variant Classification (06012015). Collection method: clinical testing. Allele origin: germline. Affected: yes.
Comment: Not observed at a significant frequency in large population cohorts (Lek 2016) In silico analysis, which includes protein predictors and evolutionary conservation, supports that this variant does not alter protein structure/function Has not been previously published as pathogenic or benign to our knowledge

NM_024675.4(PALB2):c.137A>G (p.His46Arg)

Gene: PALB2 (partner and localizer of BRCA2; minus strand). Cytogenetic location: 16p12.2.
Variant type: single nucleotide variant.
Coding change: c.137A>G on transcript NM_024675.4 (MANE Select); coding-DNA position 137, A replaced by G.
Protein change: p.His46Arg; replaces histidine 46 with arginine.
Molecular consequence: missense variant.
Genome position (GRCh38, 1-based): chr16:23,637,924, T>C on the plus strand (A>G on the coding strand, the complement: PALB2 is on the minus strand). VCF-style: chr16-23637924-T-C. GRCh37 (hg19) VCF-style: chr16-23649245-T-C.
Other names: short protein forms H46R.
Identifiers: ClinVar variation 530102 (VCV000530102.16), dbSNP rs1290624507, ClinGen allele CA395139330.